The following is an entry in ClinVar:

NM_000238.4(KCNH2):c.3033G>C (p.Glu1011Asp)

Gene: KCNH2 (potassium voltage-gated channel subfamily H member 2; minus strand). Cytogenetic location: 7q36.1.
Variant type: single nucleotide variant.
Coding change: c.3033G>C on transcript NM_000238.4 (MANE Select); coding-DNA position 3033, G replaced by C.
Protein change: p.Glu1011Asp; replaces glutamic acid 1011 with aspartic acid.
Molecular consequence: missense variant. On other transcripts: non-coding transcript variant (2).
Genome position (GRCh38, 1-based): chr7:150,947,447, C>G on the plus strand (G>C on the coding strand, the complement: KCNH2 is on the minus strand). VCF-style: chr7-150947447-C-G. GRCh37 (hg19) VCF-style: chr7-150644535-C-G.
Other names: c.2745G>C, p.Glu915Asp (NM_001406753.1); c.2013G>C, p.Glu671Asp (NM_172057.3); short protein forms E1011D, E671D, E915D.
Identifiers: ClinVar variation 4757508 (VCV004757508.1).

ClinVar aggregate classification (germline): Uncertain significance (1 of 4 stars; one submission).

Conditions:
Cardiac arrhythmia. Also called: Arrhythmia; Cardiac rhythm disease. Identifiers: MedGen C0003811, MONDO:0007263, HP:0011675.

Submission:

Color Diagnostics, LLC DBA Color Health
Classification: Uncertain significance for Cardiac arrhythmia. Last evaluated: 2025-06-30. Review status: criteria provided, single submitter. Criteria: ACMG Guidelines, 2015. Collection method: clinical testing. Allele origin: germline.
Comment: This missense variant replaces glutamic acid with aspartic acid at codon 1011 of the KCNH2 protein. Computational prediction is inconclusive regarding the impact of this variant on protein structure and function. To our knowledge, functional studies have not been reported for this variant. This variant has not been reported in individuals affected with KCNH2-related disorders in the literature. This variant has not been identified in the general population by the Genome Aggregation Database (gnomAD). The available evidence is insufficient to determine the role of this variant in disease conclusively. Therefore, this variant is classified as a Variant of Uncertain Significance.